The following is an entry in ClinVar:

ClinVar aggregate classification (germline): Likely benign. Review status: criteria provided, multiple submitters, no conflicts (2 of 4 stars). 3 submissions from 3 submitters: Likely benign (3). Last evaluated 2023-02-03.

Conditions:
Hereditary cancer-predisposing syndrome. Also called: Hereditary neoplastic syndrome; Tumor predisposition; Neoplastic Syndromes, Hereditary; Hereditary Cancer Syndrome. Identifiers: Orphanet 140162, MedGen C0027672, MeSH D009386, MONDO:0015356.
Ataxia-telangiectasia syndrome (AT). Also called: LOUIS-BAR SYNDROME; ATAXIA-TELANGIECTASIA, COMPLEMENTATION GROUP A; ATAXIA-TELANGIECTASIA, FRESNO VARIANT; Ataxia-telangiectasia; Ataxia telangiectasia (A-T); Cerebello-oculocutaneous telangiectasia. Identifiers: Orphanet 100, MedGen C0004135, MONDO:0008840, OMIM 208900.

Submissions (3):

Labcorp Genetics (formerly Invitae), Labcorp
Classification: Likely benign for Ataxia-telangiectasia syndrome. Last evaluated: 2023-02-03. Review status: criteria provided, single submitter. Criteria: Invitae Variant Classification Sherloc (09022015). Collection method: clinical testing. Allele origin: germline.

Ambry Genetics
Classification: Likely benign for Hereditary cancer-predisposing syndrome. Last evaluated: 2021-08-05. Review status: criteria provided, single submitter. Criteria: Ambry Variant Classification Scheme 2023. Collection method: clinical testing. Allele origin: germline.

GeneDx
Classification: Likely benign. Last evaluated: 2016-11-07. Review status: criteria provided, single submitter. Criteria: GeneDx Variant Classification (06012015). Collection method: clinical testing. Allele origin: germline. Affected: yes.
Comment: This variant is considered likely benign or benign based on one or more of the following criteria: it is a conservative change, it occurs at a poorly conserved position in the protein, it is predicted to be benign by multiple in silico algorithms, and/or has population frequency not consistent with disease.

NM_000051.4(ATM):c.4842A>G (p.Leu1614=)

Gene: ATM (ATM serine/threonine kinase; plus strand). Cytogenetic location: 11q22.3.
Variant type: single nucleotide variant.
Coding change: c.4842A>G on transcript NM_000051.4 (MANE Select); coding-DNA position 4842, A replaced by G.
Protein change: p.Leu1614=; no amino-acid change (leucine 1614 retained).
Molecular consequence: synonymous variant.
Genome position (GRCh38, 1-based): chr11:108,294,992, A>G. VCF-style: chr11-108294992-A-G. GRCh37 (hg19) VCF-style: chr11-108165719-A-G.
Other names: c.4842A>G, p.Leu1614= (NM_001351834.2).
Identifiers: ClinVar variation 378952 (VCV000378952.12), dbSNP rs1057520429, ClinGen allele CA16605796.